The following is an entry in ClinVar:

ClinVar aggregate classification (germline): Uncertain significance. Review status: criteria provided, multiple submitters, no conflicts (2 of 4 stars). 3 submissions from 3 submitters: Uncertain significance (3). Last evaluated 2026-01-07.

Conditions:
Hereditary sensory and autonomic neuropathy type 6. Also called: Neuropathy, hereditary sensory and autonomic, type VI; HSAN VI. Identifiers: Orphanet 314381, MedGen C3539003, MONDO:0013839, OMIM 614653.
Epidermolysis bullosa simplex 3, localized or generalized intermediate, with BP230 deficiency (EBS3). Also called: Epidermolysis bullosa simplex, autosomal recessive 2; Epidermolysis bullosa simplex due to BP230 deficiency. Identifiers: Orphanet 412181, MedGen C3809470, MONDO:0014180, OMIM 615425.
DST-related disorder. Also called: DST-related condition; DST-related disorders.

Allele frequency attached by ClinVar (database versions not stated): gnomAD exomes 0.00001; ExAC 0.00002; gnomAD 0.00005 and 0.00006; TOPMed 0.00005; ESP Exome Variant Server 0.00008.
gnomAD v4.1: 13 of 1,613,432 alleles (0.00081%); highest among the groups gnomAD compares: African/African-American, 0.017%; no homozygotes.

Submissions (3):

PreventionGenetics, part of Exact Sciences
Classification: Uncertain significance for DST-related condition. Last evaluated: 2026-01-07. Review status: criteria provided, single submitter. Criteria: ACMG Guidelines, 2015. Collection method: clinical testing. Allele origin: germline.
Comment: The DST c.4777A>T variant is predicted to result in the amino acid substitution p.Thr1593Ser. To our knowledge, this variant has not been reported in the literature. This variant is reported in 0.016% of alleles in individuals of African descent in gnomAD. At this time, the clinical significance of this variant is uncertain due to the absence of conclusive functional and genetic evidence.

Women's Health and Genetics/Laboratory Corporation of America, LabCorp
Classification: Uncertain significance. Last evaluated: 2025-07-07. Review status: criteria provided, single submitter. Criteria: LabCorp Variant Classification Summary - May 2015. Collection method: clinical testing. Allele origin: germline.
Comment: Variant summary: DST c.3265A>T (p.Thr1089Ser) results in a conservative amino acid change in the encoded protein sequence. Algorithms developed to predict the effect of missense changes on protein structure and function are either unavailable or do not agree on the potential impact of this missense change. The variant allele was found at a frequency of 8e-06 in 250978 control chromosomes. The available data on variant occurrences in the general population are insufficient to allow any conclusion about variant significance. To our knowledge, no occurrence of c.3265A>T in individuals affected with Epidermolysis bullosa simplex 3, localized or generalized intermediate, with BP230 deficiency and no experimental evidence demonstrating its impact on protein function have been reported. ClinVar contains an entry for this variant (Variation ID: 1001976). Based on the evidence outlined above, the variant was classified as uncertain significance.

Labcorp Genetics (formerly Invitae), Labcorp
Classification: Uncertain significance for Epidermolysis bullosa simplex 3, localized or generalized intermediate, with BP230 deficiency; Hereditary sensory and autonomic neuropathy type 6. Last evaluated: 2024-03-16. Review status: criteria provided, single submitter. Criteria: Invitae Variant Classification Sherloc (09022015). Collection method: clinical testing. Allele origin: germline.
Comment: This sequence change replaces threonine, which is neutral and polar, with serine, which is neutral and polar, at codon 1089 of the DST protein (p.Thr1089Ser). This variant is present in population databases (rs371681469, gnomAD 0.02%). This variant has not been reported in the literature in individuals affected with DST-related conditions. ClinVar contains an entry for this variant (Variation ID: 1001976). An algorithm developed to predict the effect of missense changes on protein structure and function (PolyPhen-2) suggests that this variant is likely to be disruptive. In summary, the available evidence is currently insufficient to determine the role of this variant in disease. Therefore, it has been classified as a Variant of Uncertain Significance.

NM_001374736.1(DST):c.4876A>T (p.Thr1626Ser)

Gene: DST (dystonin; minus strand). Cytogenetic location: 6p12.1.
Variant type: single nucleotide variant.
Coding change: c.4876A>T on transcript NM_001374736.1 (MANE Select); coding-DNA position 4876, A replaced by T.
Protein change: p.Thr1626Ser; replaces threonine 1626 with serine.
Molecular consequence: missense variant.
Genome position (GRCh38, 1-based): chr6:56,624,583, T>A on the plus strand (A>T on the coding strand, the complement: DST is on the minus strand). VCF-style: chr6-56624583-T-A. GRCh37 (hg19) VCF-style: chr6-56489381-T-A.
Other names: c.4777A>T, p.Thr1593Ser (NM_001144769.5); c.4363A>T, p.Thr1455Ser (NM_001144770.2); c.4876A>T, p.Thr1626Ser (NM_001374722.1); c.4243A>T, p.Thr1415Ser (NM_001374729.1, NM_001374730.1, NM_001386100.1 and 1 more transcripts); c.4903A>T, p.Thr1635Ser (NM_001374734.1); c.3265A>T, p.Thr1089Ser (NM_001723.7, NM_015548.5); c.4777A>T (NM_001144769.2); short protein forms T1089S, T1415S, T1455S, T1593S, T1626S, T1635S.
Identifiers: ClinVar variation 1001976 (VCV001001976.9), dbSNP rs371681469, ClinGen allele CA3870772.
Genomic context (GRCh38, chr6:56,624,583, plus strand): 5'-TGATTACCTCCTCCTCTTCCAGCCTCTTCAATGAATCACCAGCAAATTTAATATATTGTG[T>A]CATGAGAGTGACCAGGGCAGTATATCGAGTCCTTAGGTCCATGAACTGCAAGTAAGGAAA-3'
Protein context (NP_001361665.1, residues 1616-1636): TRYTALVTLM[Thr1626Ser]QYIKFAGDSL